The following is an entry in ClinVar:

ClinVar aggregate classification (germline): Likely pathogenic (1 of 4 stars; one submission).

Conditions:
Dilated cardiomyopathy 1G (CMD1G). Identifiers: Orphanet 154, MedGen C1858763, MONDO:0011400, OMIM 604145.
Autosomal recessive limb-girdle muscular dystrophy type 2J (LGMDR10). Also called: Limb-girdle muscular dystrophy, type 2J; MUSCULAR DYSTROPHY, LIMB-GIRDLE, AUTOSOMAL RECESSIVE 10. Identifiers: Orphanet 140922, MedGen C1837342, MONDO:0012127, OMIM 608807.

Submission:

Labcorp Genetics (formerly Invitae), Labcorp
Classification: Likely pathogenic for Dilated cardiomyopathy 1G; Autosomal recessive limb-girdle muscular dystrophy type 2J. Last evaluated: 2025-02-26. Review status: criteria provided, single submitter. Criteria: Invitae Variant Classification Sherloc (09022015). Collection method: clinical testing. Allele origin: germline.
Comment: This sequence change creates a premature translational stop signal (p.Lys10219Thrfs*7) in the TTN gene. While this is not anticipated to result in nonsense mediated decay, it is expected to create a truncated TTN protein. This variant is not present in population databases (gnomAD no frequency). This variant has not been reported in the literature in individuals affected with TTN-related conditions. This variant is located in the I band of TTN (PMID: 25589632). Truncating variants in this region have been reported in individuals affected with autosomal recessive centronuclear myopathy (PMID: 23975875, internal data). Truncating variants in this region have also been identified in individuals affected with autosomal dominant dilated cardiomyopathy and/or cardio-related conditions (PMID: 27869827, 32964742, internal data). In summary, the currently available evidence indicates that the variant is pathogenic, but additional data are needed to prove that conclusively. Therefore, this variant has been classified as Likely Pathogenic.

Literature cited by the submitters: PubMed 25589632; PubMed 23975875; PubMed 27869827; PubMed 32964742.

NM_001267550.2(TTN):c.30656_30660del (p.Lys10219fs)

Gene: TTN (titin; minus strand). Cytogenetic location: 2q31.2.
Variant type: Microsatellite.
Coding change: c.30656_30660del on transcript NM_001267550.2 (MANE Select); coding-DNA positions 30656 to 30660, 5 bases deleted (AGAAA; older notation c.30656_30660delAGAAA).
Protein change: p.Lys10219fs; shifts the reading frame from lysine 10219.
Molecular consequence: frameshift variant. On other transcripts: intron variant (3).
Genome position (GRCh38, 1-based): chr2:178,701,142-178,701,146, TTTCT deleted on the plus strand (AGAAA on the coding strand, the reverse complement: TTN is on the minus strand); deleting any 5 consecutive bases within chr2:178,701,142-178,701,152 gives the same sequence; the c. name uses the placement nearest the transcript's 3' end. VCF-style (leftmost placement, unchanged base first): chr2-178701141-GTTTCT-G. GRCh37 (hg19) VCF-style: chr2-179565868-GTTTCT-G.
Other names: c.29705_29709del, p.Lys9902fs (NM_001256850.1); c.26924_26928del, p.Lys8975fs (NM_133378.4); c.13282+36936_13282+36940del (NM_003319.4); c.13858+36936_13858+36940del (NM_133437.4); c.13657+36936_13657+36940del (NM_133432.3); short protein forms K8975fs, K10219fs, K9902fs.
Identifiers: ClinVar variation 4784283 (VCV004784283.1).
Genomic context (GRCh38, chr2:178,701,141, plus strand): 5'-AATTCTTATTTCGACATCTAGGTAGATGAGGTATAATACCTTCAATACGTTTTGGTGGTG[GTTTCT>G]TTTCTTCGGGTGTTGGTAGCAAAAGGGGGATAGGAGGAGCAACCACAGGAGGGATTTCTG-3'